The following is an entry in ClinVar:

ClinVar aggregate classification (germline): Uncertain significance (1 of 4 stars; one submission).

Submission:

Labcorp Genetics (formerly Invitae), Labcorp
Classification: Uncertain significance. Last evaluated: 2025-11-20. Review status: criteria provided, single submitter. Criteria: Invitae Variant Classification Sherloc (09022015). Collection method: clinical testing. Allele origin: germline.
Comment: This sequence change replaces glutamic acid, which is acidic and polar, with glycine, which is neutral and non-polar, at codon 83 of the JAK1 protein (p.Glu83Gly). This variant is not present in population databases (gnomAD no frequency). This variant has not been reported in the literature in individuals affected with JAK1-related conditions. Invitae Evidence Modeling of protein sequence and biophysical properties (such as structural, functional, and spatial information, amino acid conservation, physicochemical variation, residue mobility, and thermodynamic stability) has been performed for this missense variant. However, the output from this modeling did not meet the statistical confidence thresholds required to predict the impact of this variant on JAK1 protein function. In summary, the available evidence is currently insufficient to determine the role of this variant in disease. Therefore, it has been classified as a Variant of Uncertain Significance.

NM_002227.4(JAK1):c.248A>G (p.Glu83Gly)

Gene: JAK1 (Janus kinase 1; minus strand). Cytogenetic location: 1p31.3.
Variant type: single nucleotide variant.
Coding change: c.248A>G on transcript NM_002227.4 (MANE Select); coding-DNA position 248, A replaced by G.
Protein change: p.Glu83Gly; replaces glutamic acid 83 with glycine.
Molecular consequence: missense variant.
Genome position (GRCh38, 1-based): chr1:64,879,106, T>C on the plus strand (A>G on the coding strand, the complement: JAK1 is on the minus strand). VCF-style: chr1-64879106-T-C. GRCh37 (hg19) VCF-style: chr1-65344789-T-C.
Other names: c.248A>G, p.Glu83Gly (NM_001320923.2, NM_001321852.2, NM_001321853.2 and 4 more transcripts); short protein forms E83G.
Identifiers: ClinVar variation 4811258 (VCV004811258.1).